The following is an entry in ClinVar:

ClinVar aggregate classification (germline): Conflicting classifications of pathogenicity. Review status: criteria provided, conflicting classifications (1 of 4 stars). 3 submissions from 3 submitters: Pathogenic (1); Uncertain significance (1). 1 of the submissions does not count toward it. Last evaluated 2024-10-07.

Conditions:
Autosomal recessive nonsyndromic hearing loss 1A (DFNB1A). Also called: GJB6-Related DFNB 1 Nonsyndromic Hearing Loss and Deafness; Deafness, autosomal recessive 1A; Connexin 26 deafness; Deafness nonsyndromic, Connexin 26 linked; GJB2-Related Autosomal Recessive Nonsyndromic Hearing Loss; Nonsyndromic Hearing Loss and Deafness, DFNB1. Identifiers: Orphanet 90636, MedGen C2673759, MONDO:0009076, OMIM 220290.

gnomAD v4.1: 2 of 1,614,062 alleles (0.00012%); highest among the groups gnomAD compares: Non-Finnish European, 0.00017%; no homozygotes.

Submissions (3):

GeneDx
Classification: Pathogenic. Last evaluated: 2024-10-07. Review status: criteria provided, single submitter. Criteria: GeneDx Variant Classification Process June 2021. Collection method: clinical testing. Allele origin: germline. Affected: yes.
Comment: Not observed at significant frequency in large population cohorts (gnomAD); In silico analysis supports that this missense variant has a deleterious effect on protein structure/function; This variant is associated with the following publications: (PMID: 25587757, 31992338, 29921236, 25788563, 25388846, 36048236, 17041943, 35186384)

3billion
Classification: Uncertain significance for Autosomal recessive nonsyndromic hearing loss 1A. Last evaluated: 2024-06-13. Review status: criteria provided, single submitter. Criteria: ACMG Guidelines, 2015. Collection method: clinical testing. Allele origin: germline. Affected: yes.
Comment: The variant is observed at an extremely low frequency in the gnomAD v4.0.0 dataset (total allele frequency: <0.001%). Predicted Consequence/Location: Missense variant In silico tool predictions suggest damaging effect of the variant on gene or gene product [REVEL: 0.86 (>=0.6, sensitivity 0.68 and specificity 0.92); 3Cnet: 0.84 (>=0.6, sensitivity 0.72 and precision 0.9)]. Different missense changes at the same codon (p.Thr86Ala, p.Thr86Arg) have been reported as pathogenic/likely pathogenic with strong evidence (ClinVar ID: VCV000631697, VCV002757846 /PMID: 12560944). Therefore, this variant is classified as VUS according to the recommendation of ACMG/AMP guideline.

Counsyl
Classification: Uncertain significance for Autosomal recessive nonsyndromic hearing loss 1A. Last evaluated: 2017-08-16. Review status: no assertion criteria provided. Collection method: clinical testing. Allele origin: unknown. Not counted in ClinVar's aggregate classification.

Literature cited by the submitters: PubMed 12560944 (cited by 3billion); PubMed 25788563 (cited by Counsyl); PubMed 17041943 (cited by Counsyl).

NM_004004.6(GJB2):c.257C>T (p.Thr86Met)

Gene: GJB2 (gap junction protein beta 2; minus strand). Cytogenetic location: 13q12.11.
Variant type: single nucleotide variant.
Coding change: c.257C>T on transcript NM_004004.6 (MANE Select); coding-DNA position 257, C replaced by T.
Protein change: p.Thr86Met; replaces threonine 86 with methionine.
Molecular consequence: missense variant.
Genome position (GRCh38, 1-based): chr13:20,189,325, G>A on the plus strand (C>T on the coding strand, the complement: GJB2 is on the minus strand). VCF-style: chr13-20189325-G-A. GRCh37 (hg19) VCF-style: chr13-20763464-G-A.
Other names: short protein forms T86M.
Identifiers: ClinVar variation 553341 (VCV000553341.4), dbSNP rs1291519904, ClinGen allele CA387461528.